The following is an entry in ClinVar:

NM_003072.5(SMARCA4):c.694C>T (p.Pro232Ser)

Gene: SMARCA4 (SWI/SNF related BAF chromatin remodeling complex subunit ATPase 4; plus strand). Cytogenetic location: 19p13.2.
Variant type: single nucleotide variant.
Coding change: c.694C>T on transcript NM_003072.5 (MANE Select); coding-DNA position 694, C replaced by T.
Protein change: p.Pro232Ser; replaces proline 232 with serine.
Molecular consequence: missense variant. On other transcripts: non-coding transcript variant (1).
Genome position (GRCh38, 1-based): chr19:10,986,527, C>T. VCF-style: chr19-10986527-C-T. GRCh37 (hg19) VCF-style: chr19-11097203-C-T.
Other names: c.694C>T, p.Pro232Ser (NM_001387283.1, NM_001411150.1, NM_001128849.3 and 6 more transcripts); short protein forms P232S.
Identifiers: ClinVar variation 3636835 (VCV003636835.2).

ClinVar aggregate classification (germline): Uncertain significance (1 of 4 stars; one submission).

Conditions:
Rhabdoid tumor predisposition syndrome 2 (RTPS2). Identifiers: Orphanet 231108, Orphanet 69077, MedGen C2750074, MONDO:0013224, OMIM 613325.

Submission:

Labcorp Genetics (formerly Invitae), Labcorp
Classification: Uncertain significance for Rhabdoid tumor predisposition syndrome 2. Last evaluated: 2024-11-06. Review status: criteria provided, single submitter. Criteria: Invitae Variant Classification Sherloc (09022015). Collection method: clinical testing. Allele origin: germline.
Comment: This sequence change replaces proline, which is neutral and non-polar, with serine, which is neutral and polar, at codon 232 of the SMARCA4 protein (p.Pro232Ser). This variant is not present in population databases (gnomAD no frequency). This variant has not been reported in the literature in individuals affected with SMARCA4-related conditions. An algorithm developed to predict the effect of missense changes on protein structure and function (PolyPhen-2) suggests that this variant is likely to be tolerated. In summary, the available evidence is currently insufficient to determine the role of this variant in disease. Therefore, it has been classified as a Variant of Uncertain Significance.